The following is an entry in ClinVar:

ClinVar aggregate classification (germline): Uncertain significance. Review status: criteria provided, multiple submitters, no conflicts (2 of 4 stars). 4 submissions from 4 submitters: Uncertain significance (4). Last evaluated 2025-10-29.

Conditions:
Inborn genetic diseases. Identifiers: MedGen C0950123, MeSH D030342.
Aldosterone-producing adenoma with seizures and neurological abnormalities. Also called: Primary aldosteronism, seizures, and neurologic abnormalities. Identifiers: Orphanet 369929, MedGen C3809609, MONDO:0014200, OMIM 615474.

Allele frequency attached by ClinVar (database versions not stated): TOPMed 0.00001; ExAC 0.00002; gnomAD 0.00002; gnomAD exomes 0.00002 and 0.00003.
gnomAD v4.1: 28 of 1,613,848 alleles (0.0017%); highest among the groups gnomAD compares: South Asian, 0.016%; no homozygotes.

Submissions (4):

Labcorp Genetics (formerly Invitae), Labcorp
Classification: Uncertain significance. Last evaluated: 2025-10-29. Review status: criteria provided, single submitter. Criteria: Invitae Variant Classification Sherloc (09022015). Collection method: clinical testing. Allele origin: germline.
Comment: This sequence change replaces arginine, which is basic and polar, with cysteine, which is neutral and slightly polar, at codon 2041 of the CACNA1D protein (p.Arg2041Cys). This variant is present in population databases (rs779080006, gnomAD 0.02%). This variant has not been reported in the literature in individuals affected with CACNA1D-related conditions. ClinVar contains an entry for this variant (Variation ID: 1505252). An algorithm developed to predict the effect of missense changes on protein structure and function (PolyPhen-2) suggests that this variant is likely to be disruptive. In summary, the available evidence is currently insufficient to determine the role of this variant in disease. Therefore, it has been classified as a Variant of Uncertain Significance.

Ambry Genetics
Classification: Uncertain significance for Inborn genetic diseases. Last evaluated: 2025-01-15. Review status: criteria provided, single submitter. Criteria: Ambry Variant Classification Scheme 2023. Collection method: clinical testing. Allele origin: germline.

Neuberg Centre For Genomic Medicine, NCGM
Classification: Uncertain significance for Aldosterone-producing adenoma with seizures and neurological abnormalities. Last evaluated: 2023-02-14. Review status: criteria provided, single submitter. Criteria: ACMG Guidelines, 2015. Collection method: clinical testing. Allele origin: germline. Inheritance: Autosomal dominant inheritance. Affected: yes.
Comment: The missense c.6061C>T(p.Arg2021Cys) variant in CACNA1D gene has not been reported previously as a pathogenic variant nor a benign variant, to our knowledge. The p.Arg2021Cys variant has been reported with allele frequency fo 0.003% in gnomAD Exomes and is novel (not in any individuals) in 1000 Genomes. This variant has been reported to the ClinVar database as Uncertain Significance. The amino acid change p.Arg2021Cys in CACNA1D is predicted as conserved by GERP++ and PhyloP across 100 vertebrates. The amino acid Arg at position 2021 is changed to a Cys changing protein sequence and it might alter its composition and physico-chemical properties. For these reasons, this variant has been classified as a Variant of Uncertain Significance (VUS).

New York Genome Center
Classification: Uncertain significance for Aldosterone-producing adenoma with seizures and neurological abnormalities. Last evaluated: 2021-09-03. Review status: criteria provided, single submitter. Criteria: NYGC Assertion Criteria 2020. Collection method: clinical testing. Allele origin: germline. Observed: 1 heterozygote. Study: CSER-NYCKidSeq.

NM_001128840.3(CACNA1D):c.6061C>T (p.Arg2021Cys)

Gene: CACNA1D (calcium voltage-gated channel subunit alpha1 D; plus strand). Cytogenetic location: 3p21.1.
Variant type: single nucleotide variant.
Coding change: c.6061C>T on transcript NM_001128840.3 (MANE Select); coding-DNA position 6061, C replaced by T.
Protein change: p.Arg2021Cys; replaces arginine 2021 with cysteine.
Molecular consequence: missense variant.
Genome position (GRCh38, 1-based): chr3:53,810,167, C>T. VCF-style: chr3-53810167-C-T. GRCh37 (hg19) VCF-style: chr3-53844194-C-T.
Other names: c.6121C>T (NM_000720.2); c.6121C>T, p.Arg2041Cys (NM_000720.4); c.5989C>T, p.Arg1997Cys (NM_001128839.3); short protein forms R2021C, R2041C, R1997C.
Identifiers: ClinVar variation 1505252 (VCV001505252.9), dbSNP rs779080006, ClinGen allele CA2455354.